The following is an entry in ClinVar:

ClinVar aggregate classification (germline): Uncertain significance. Review status: criteria provided, multiple submitters, no conflicts (2 of 4 stars). 3 submissions from 3 submitters: Uncertain significance (3). Last evaluated 2025-10-15.

Conditions:
Wilms tumor 1 (WT1). Also called: Wilms tumor, somatic. Identifiers: Orphanet 654, MedGen CN033288, MONDO:0008679, OMIM 194070.
Drash syndrome (DDS). Also called: NEPHROPATHY, WILMS TUMOR, AND GENITAL ANOMALIES; WILMS TUMOR AND PSEUDO- OR TRUE HERMAPHRODITISM. Identifiers: Orphanet 220, MedGen C0950121, MONDO:0008682, OMIM 194080.
11p partial monosomy syndrome (WAGR). Also called: WAGR Spectrum Disorder; CHROMOSOME 11p13 DELETION SYNDROME; WAGR syndrome; WAGR Complex. Identifiers: Orphanet 893, MedGen C0206115, MONDO:0008681, OMIM 194072.
Frasier syndrome. Identifiers: Orphanet 347, MedGen C0950122, MeSH D052159, MONDO:0007635, OMIM 136680.
Inborn genetic diseases. Identifiers: MedGen C0950123, MeSH D030342.

Allele frequency attached by ClinVar (database versions not stated): gnomAD exomes below 0.00001 and 0.00001; ExAC 0.00002.
gnomAD v4.1: 3 of 1,614,124 alleles (0.00019%); highest among the groups gnomAD compares: Non-Finnish European, 0.00025%; no homozygotes.

Submissions (3):

Color Diagnostics, LLC DBA Color Health
Classification: Uncertain significance for Wilms tumor 1. Last evaluated: 2025-10-15. Review status: criteria provided, single submitter. Criteria: ACMG Guidelines, 2015. Collection method: clinical testing. Allele origin: germline.
Comment: This missense variant replaces valine with isoleucine at codon 374 of the WT1 protein. Computational prediction suggests that this variant may not impact protein structure and function. To our knowledge, functional studies have not been reported for this variant. This variant has not been reported in individuals affected with WT1-related disorders in the literature. This variant has been identified in 3/1461818 chromosomes in the general population by the Genome Aggregation Database (gnomAD). The available evidence is insufficient to determine the role of this variant in disease conclusively. Therefore, this variant is classified as a Variant of Uncertain Significance.

Ambry Genetics
Classification: Uncertain significance for Inborn genetic diseases. Last evaluated: 2025-08-08. Review status: criteria provided, single submitter. Criteria: Ambry Variant Classification Scheme 2023. Collection method: clinical testing. Allele origin: germline.
Comment: The p.V374I variant (also known as c.1120G>A), located in coding exon 7 of the WT1 gene, results from a G to A substitution at nucleotide position 1120. The valine at codon 374 is replaced by isoleucine, an amino acid with highly similar properties. This amino acid position is well conserved in available vertebrate species. In addition, this alteration is predicted to be tolerated by in silico analysis. Based on the available evidence, the clinical significance of this variant remains unclear.

Labcorp Genetics (formerly Invitae), Labcorp
Classification: Uncertain significance for Wilms tumor 1; Drash syndrome; 11p partial monosomy syndrome; Frasier syndrome. Last evaluated: 2023-06-09. Review status: criteria provided, single submitter. Criteria: Invitae Variant Classification Sherloc (09022015). Collection method: clinical testing. Allele origin: germline.
Comment: In summary, the available evidence is currently insufficient to determine the role of this variant in disease. Therefore, it has been classified as a Variant of Uncertain Significance. An algorithm developed to predict the effect of missense changes on protein structure and function (PolyPhen-2) suggests that this variant is likely to be tolerated. ClinVar contains an entry for this variant (Variation ID: 476681). This variant has not been reported in the literature in individuals affected with WT1-related conditions. This variant is present in population databases (rs755936509, gnomAD 0.002%). This sequence change replaces valine, which is neutral and non-polar, with isoleucine, which is neutral and non-polar, at codon 374 of the WT1 protein (p.Val374Ile).

NM_024426.6(WT1):c.1135G>A (p.Val379Ile)

Gene: WT1 (WT1 transcription factor; minus strand). Cytogenetic location: 11p13.
Variant type: single nucleotide variant.
Coding change: c.1135G>A on transcript NM_024426.6 (MANE Select); coding-DNA position 1135, G replaced by A.
Protein change: p.Val379Ile; replaces valine 379 with isoleucine.
Molecular consequence: missense variant. On other transcripts: 5 prime UTR variant (1), non-coding transcript variant (1).
Genome position (GRCh38, 1-based): chr11:32,396,386, C>T on the plus strand (G>A on the coding strand, the complement: WT1 is on the minus strand). VCF-style: chr11-32396386-C-T. GRCh37 (hg19) VCF-style: chr11-32417932-C-T.
Other names: c.1084G>A, p.Val362Ile (NM_000378.6, NM_001407045.1, NM_001407048.1 and 1 more transcripts); c.484G>A, p.Val162Ile (NM_001198551.2); c.433G>A, p.Val145Ile (NM_001198552.2); c.-54G>A (NM_001367854.1); c.1129G>A, p.Val377Ile (NM_001407044.1); c.1135G>A, p.Val379Ile (NM_001407046.1, NM_024424.5); c.1012G>A, p.Val338Ile (NM_001407047.1); c.961G>A, p.Val321Ile (NM_001407050.1); and 2 more; short protein forms V162I, V379I, V145I, V362I, V125I, V377I, V338I, V321I.
Identifiers: ClinVar variation 476681 (VCV000476681.10), dbSNP rs755936509, ClinGen allele CA064278.